The following is an entry in ClinVar:

NM_015346.4(ZFYVE26):c.6252G>A (p.Glu2084=)

Gene: ZFYVE26 (zinc finger FYVE-type containing 26; minus strand). Cytogenetic location: 14q24.1.
Variant type: single nucleotide variant.
Coding change: c.6252G>A on transcript NM_015346.4 (MANE Select); coding-DNA position 6252, G replaced by A.
Protein change: p.Glu2084=; no amino-acid change (glutamic acid 2084 retained).
Molecular consequence: synonymous variant.
Genome position (GRCh38, 1-based): chr14:67,762,320, C>T on the plus strand (G>A on the coding strand, the complement: ZFYVE26 is on the minus strand). VCF-style: chr14-67762320-C-T. GRCh37 (hg19) VCF-style: chr14-68229037-C-T.
Identifiers: ClinVar variation 698404 (VCV000698404.12), dbSNP rs770536914, ClinGen allele CA7239273.

ClinVar aggregate classification (germline): Likely benign. Review status: criteria provided, single submitter (1 of 4 stars). 2 submissions from 2 submitters: Likely benign (1). 1 of the submissions does not count toward it. Last evaluated 2024-02-23.

Conditions:
ZFYVE26-related disorder. Also called: ZFYVE26-related condition.
Spastic paraplegia. Identifiers: MedGen C0037772, HP:0001258.

Allele frequency attached by ClinVar (database versions not stated): gnomAD exomes 0.00003; TOPMed 0.00003; ExAC 0.00001; gnomAD 0.00004.
gnomAD v4.1: 49 of 1,614,102 alleles (0.003%); highest among the groups gnomAD compares: Non-Finnish European, 0.004%; no homozygotes.

Submissions (2):

Labcorp Genetics (formerly Invitae), Labcorp
Classification: Likely benign for Spastic paraplegia. Last evaluated: 2024-02-23. Review status: criteria provided, single submitter. Criteria: Invitae Variant Classification Sherloc (09022015). Collection method: clinical testing. Allele origin: germline.

PreventionGenetics, part of Exact Sciences
Classification: Likely benign for ZFYVE26-related condition. Last evaluated: 2020-01-08. Review status: no assertion criteria provided. Collection method: clinical testing. Allele origin: germline. Not counted in ClinVar's aggregate classification.
Comment: This variant is classified as likely benign based on ACMG/AMP sequence variant interpretation guidelines (Richards et al. 2015 PMID: 25741868, with internal and published modifications).